The following is an entry in ClinVar:

ClinVar aggregate classification (germline): Uncertain significance (1 of 4 stars; one submission).

Conditions:
Birt-Hogg-Dube syndrome. Also called: Birt Hogg Dubé syndrome. Identifiers: Orphanet 122, MedGen C0346010, MONDO:0800444.

Submission:

Labcorp Genetics (formerly Invitae), Labcorp
Classification: Uncertain significance for Birt-Hogg-Dube syndrome. Last evaluated: 2023-05-05. Review status: criteria provided, single submitter. Criteria: Invitae Variant Classification Sherloc (09022015). Collection method: clinical testing. Allele origin: germline.
Comment: This variant has not been reported in the literature in individuals affected with FLCN-related conditions. In summary, the available evidence is currently insufficient to determine the role of this variant in disease. Therefore, it has been classified as a Variant of Uncertain Significance. Variants that disrupt the consensus splice site are a relatively common cause of aberrant splicing (PMID: 17576681, 9536098). Algorithms developed to predict the effect of sequence changes on RNA splicing suggest that this variant is not likely to affect RNA splicing. This variant is not present in population databases (gnomAD no frequency). This sequence change falls in intron 13 of the FLCN gene. It does not directly change the encoded amino acid sequence of the FLCN protein. It affects a nucleotide within the consensus splice site.

Literature cited by the submitters: PubMed 17576681; PubMed 9536098.

NM_144997.7(FLCN):c.1539-3dup

Gene: FLCN (folliculin; minus strand). Cytogenetic location: 17p11.2.
Variant type: Duplication.
Coding change: c.1539-3dup on transcript NM_144997.7 (MANE Select); 3 bases into the intron before coding-DNA position 1539, one base duplicated (C; older notation c.1539-3dupC).
Molecular consequence: intron variant.
Genome position (GRCh38, 1-based): chr17:17,213,859, G duplicated on the plus strand (C on the coding strand, the reverse complement: FLCN is on the minus strand). VCF-style (leftmost placement, unchanged base first): chr17-17213858-T-TG. GRCh37 (hg19) VCF-style: chr17-17117172-T-TG.
Other names: c.1539-3dup (NM_001353231.2, NM_001353230.2); c.1593-3dup (NM_001353229.2).
Identifiers: ClinVar variation 2959775 (VCV002959775.3), dbSNP rs2544126754, ClinGen allele CA2740095280.